The following is an entry in ClinVar:

ClinVar aggregate classification (germline): Pathogenic (1 of 4 stars; one submission).

Submission:

GeneDx
Classification: Pathogenic. Last evaluated: 2019-02-06. Review status: criteria provided, single submitter. Criteria: GeneDx Variant Classification (06012015). Collection method: clinical testing. Allele origin: germline. Affected: yes.
Comment: The c.830_833delAGAG variant in the FYCO1 gene has not been reported previously as a pathogenic variant nor as a benign variant, to our knowledge. The c.830_833delAGAG variant causes a frameshift starting with codon Glutamic acid 277, changes this amino acid to a Glycine residue, and creates a premature Stop codon at position 18 of the new reading frame, denoted p.Glu277GlyfsX18. This variant is predicted to cause loss of normal protein function either through protein truncation or nonsense-mediated mRNA decay. The c.830_833delAGAG variant is not observed in large population cohorts (Lek et al., 2016). We interpret c.830_833delAGAG as a pathogenic variant.

NM_024513.4(FYCO1):c.830_833del (p.Glu277fs)

Gene: FYCO1 (FYVE and coiled-coil domain autophagy adaptor 1; minus strand). Cytogenetic location: 3p21.31.
Variant type: Microsatellite.
Coding change: c.830_833del on transcript NM_024513.4 (MANE Select); coding-DNA positions 830 to 833, 4 bases deleted (AGAG; older notation c.830_833delAGAG).
Protein change: p.Glu277fs; shifts the reading frame from glutamic acid 277.
Molecular consequence: frameshift variant. On other transcripts: non-coding transcript variant (1).
Genome position (GRCh38, 1-based): chr3:45,968,501-45,968,504, CTCT deleted on the plus strand (AGAG on the coding strand, the reverse complement: FYCO1 is on the minus strand); deleting any 4 consecutive bases within chr3:45,968,501-45,968,506 gives the same sequence; the c. name uses the placement nearest the transcript's 3' end. VCF-style (leftmost placement, unchanged base first): chr3-45968500-CCTCT-C. GRCh37 (hg19) VCF-style: chr3-46009992-CCTCT-C.
Other names: c.830_833del, p.Glu277fs (NM_001386421.1, NM_001386422.1, NM_001386423.1 and 4 more transcripts); c.710_713del, p.Glu237fs (NM_001386426.1); c.686_689del, p.Glu229fs (NM_001386427.1); c.230_233del, p.Glu77fs (NM_001386430.1); short protein forms E277fs, E229fs, E237fs, E77fs.
Identifiers: ClinVar variation 817447 (VCV000817447.1), dbSNP rs1575372587, ClinGen allele CA915942436.